The following is an entry in ClinVar:

ClinVar aggregate classification (germline): Uncertain significance (1 of 4 stars; one submission).

Submission:

Ambry Genetics
Classification: Uncertain significance. Last evaluated: 2024-11-23. Review status: criteria provided, single submitter. Criteria: Ambry Variant Classification Scheme 2023. Collection method: clinical testing. Allele origin: germline.
Comment: The p.M28R variant (also known as c.83T>G), located in coding exon 1 of the PKP4 gene, results from a T to G substitution at nucleotide position 83. The methionine at codon 28 is replaced by arginine, an amino acid with similar properties. This amino acid position is conserved. In addition, this alteration is predicted to be deleterious by in silico analysis. Based on the available evidence, the clinical significance of this variant remains unclear.

NM_003628.6(PKP4):c.83T>G (p.Met28Arg)

Gene: PKP4 (plakophilin 4; plus strand). Cytogenetic location: 2q24.1.
Variant type: single nucleotide variant.
Coding change: c.83T>G on transcript NM_003628.6 (MANE Select); coding-DNA position 83, T replaced by G.
Protein change: p.Met28Arg; replaces methionine 28 with arginine.
Molecular consequence: missense variant. On other transcripts: 5 prime UTR variant (1).
Genome position (GRCh38, 1-based): chr2:158,533,267, T>G. VCF-style: chr2-158533267-T-G. GRCh37 (hg19) VCF-style: chr2-159389779-T-G.
Other names: c.83T>G, p.Met28Arg (NM_001005476.4, NM_001304969.3, NM_001304971.2 and 9 more transcripts); c.-867T>G (NM_001304970.3); short protein forms M28R.
Identifiers: ClinVar variation 3419640 (VCV003419640.1).